The following is an entry in ClinVar:

ClinVar aggregate classification (germline): Uncertain significance (1 of 4 stars; one submission).

Conditions:
Dilated cardiomyopathy 1G (CMD1G). Identifiers: Orphanet 154, MedGen C1858763, MONDO:0011400, OMIM 604145.
Autosomal recessive limb-girdle muscular dystrophy type 2J (LGMDR10). Also called: Limb-girdle muscular dystrophy, type 2J; MUSCULAR DYSTROPHY, LIMB-GIRDLE, AUTOSOMAL RECESSIVE 10. Identifiers: Orphanet 140922, MedGen C1837342, MONDO:0012127, OMIM 608807.

Submission:

Labcorp Genetics (formerly Invitae), Labcorp
Classification: Uncertain significance for Dilated cardiomyopathy 1G; Autosomal recessive limb-girdle muscular dystrophy type 2J. Last evaluated: 2025-01-20. Review status: criteria provided, single submitter. Criteria: Invitae Variant Classification Sherloc (09022015). Collection method: clinical testing. Allele origin: germline.
Comment: This sequence change replaces lysine, which is basic and polar, with asparagine, which is neutral and polar, at codon 35117 of the TTN protein (p.Lys35117Asn). This variant is not present in population databases (gnomAD no frequency). This variant has not been reported in the literature in individuals affected with TTN-related conditions. ClinVar contains an entry for this variant (Variation ID: 845364). Experimental studies and prediction algorithms are not available or were not evaluated, and the functional significance of this variant is currently unknown. This variant is located in the M band of TTN (PMID: 25589632). Non-truncating variants in this region may be relevant for neuromuscular disorders, but have not been definitively shown to cause cardiomyopathy (PMID: 23975875). In summary, the available evidence is currently insufficient to determine the role of this variant in disease. Therefore, it has been classified as a Variant of Uncertain Significance.

Literature cited by the submitters: PubMed 25589632; PubMed 23975875.

NM_001267550.2(TTN):c.105351A>C (p.Lys35117Asn)

Genes: TTN-AS1 (TTN antisense RNA 1; plus strand), TTN (titin; minus strand). Cytogenetic location: 2q31.2.
Variant type: single nucleotide variant.
Coding change: c.105351A>C on transcript NM_001267550.2 (MANE Select); coding-DNA position 105351, A replaced by C.
Protein change: p.Lys35117Asn; replaces lysine 35117 with asparagine.
Molecular consequence: missense variant.
Genome position (GRCh38, 1-based): chr2:178,531,264, T>G on the plus strand (A>C on the coding strand, the complement: TTN is on the minus strand). VCF-style: chr2-178531264-T-G. GRCh37 (hg19) VCF-style: chr2-179395991-T-G.
Other names: c.100428A>C, p.Lys33476Asn (NM_001256850.1); c.78156A>C, p.Lys26052Asn (NM_003319.4); c.97647A>C, p.Lys32549Asn (NM_133378.4); c.78531A>C, p.Lys26177Asn (NM_133432.3); c.78732A>C, p.Lys26244Asn (NM_133437.4); short protein forms K26177N, K26052N, K33476N, K35117N, K32549N, K26244N.
Identifiers: ClinVar variation 845364 (VCV000845364.13), dbSNP rs1689002120, ClinGen allele CA349408943.
Genomic context (GRCh38, chr2:178,531,264, plus strand): 5'-GGACCGTGGCTTTGTTAGAATTCTTGCTGCCAAAGTCGTCTTGATCTTTCTGGTTGTGGA[T>G]TTTTCTTCCAGTGACTTTTCTTCTAATGCAGCACTTTTCATTTCTGCAGATGCAGAGTGT-3'
Protein context (NP_001254479.2, residues 35107-35127): AALEEKSLEE[Lys35117Asn]STTRKIKTTL